The following is an entry in ClinVar:

NM_080605.4(B3GALT6):c.503C>G (p.Ala168Gly)

Gene: B3GALT6 (beta-1,3-galactosyltransferase 6; plus strand). Cytogenetic location: 1p36.33.
Variant type: single nucleotide variant.
Coding change: c.503C>G on transcript NM_080605.4 (MANE Select); coding-DNA position 503, C replaced by G.
Protein change: p.Ala168Gly; replaces alanine 168 with glycine.
Molecular consequence: missense variant.
Genome position (GRCh38, 1-based): chr1:1,232,781, C>G. VCF-style: chr1-1232781-C-G. GRCh37 (hg19) VCF-style: chr1-1168161-C-G.
Other names: short protein forms A168G.
Identifiers: ClinVar variation 1404166 (VCV001404166.6), dbSNP rs766519442, ClinGen allele CA337826144.

ClinVar aggregate classification (germline): Uncertain significance (1 of 4 stars; one submission).

Conditions:
Spondyloepimetaphyseal dysplasia with joint laxity (SEMDJL). Identifiers: MedGen C0432243, MONDO:0019675.
Ehlers-Danlos syndrome, spondylodysplastic type, 2 (EDSSPD2). Also called: Ehlers-Danlos syndrome, progeroid type, 2. Identifiers: Orphanet 536467, Orphanet 75496, MedGen C3809210, MONDO:0014139, OMIM 615349.

Allele frequency attached by ClinVar (database versions not stated): gnomAD 0.00001; 1000 Genomes Project 30x 0.00016.
gnomAD v4.1: 4 of 1,381,660 alleles (0.00029%); highest among the groups gnomAD compares: African/African-American, 0.0046%; no homozygotes.

Submission:

Labcorp Genetics (formerly Invitae), Labcorp
Classification: Uncertain significance for Ehlers-Danlos syndrome, spondylodysplastic type, 2; Spondyloepimetaphyseal dysplasia with joint laxity. Last evaluated: 2021-09-21. Review status: criteria provided, single submitter. Criteria: Invitae Variant Classification Sherloc (09022015). Collection method: clinical testing. Allele origin: germline.
Comment: This variant has not been reported in the literature in individuals affected with B3GALT6-related conditions. This variant is not present in population databases (ExAC no frequency). This sequence change replaces alanine with glycine at codon 168 of the B3GALT6 protein (p.Ala168Gly). The alanine residue is weakly conserved and there is a small physicochemical difference between alanine and glycine. Algorithms developed to predict the effect of missense changes on protein structure and function (SIFT, PolyPhen-2, Align-GVGD) all suggest that this variant is likely to be tolerated. In summary, the available evidence is currently insufficient to determine the role of this variant in disease. Therefore, it has been classified as a Variant of Uncertain Significance.